The following is an entry in ClinVar:

NM_138711.6(PPARG):c.99G>A (p.Lys33=)

Gene: PPARG (peroxisome proliferator activated receptor gamma; plus strand). Cytogenetic location: 3p25.2.
Variant type: single nucleotide variant.
Coding change: c.99G>A on transcript NM_138711.6 (MANE Select); coding-DNA position 99, G replaced by A.
Protein change: p.Lys33=; no amino-acid change (lysine 33 retained).
Molecular consequence: synonymous variant. On other transcripts: 5 prime UTR variant (1).
Genome position (GRCh38, 1-based): chr3:12,379,810, G>A. VCF-style: chr3-12379810-G-A. GRCh37 (hg19) VCF-style: chr3-12421309-G-A.
Other names: c.99G>A, p.Lys33= (NM_001330615.4, NM_001354666.3, NM_001354667.3 and 6 more transcripts); c.189G>A, p.Lys63= (NM_001354668.2, NM_001374265.1, NM_015869.5); c.-329G>A (NM_001354669.2); c.105G>A, p.Lys35= (NM_001354670.2, NM_001374266.1); c.189G>A (NM_015869.4).
Identifiers: ClinVar variation 2719983 (VCV002719983.4), dbSNP rs753619817, ClinGen allele CA2258098.

ClinVar aggregate classification (germline): Likely benign. Review status: criteria provided, single submitter (1 of 4 stars). 2 submissions from 2 submitters: Likely benign (1). 1 of the submissions does not count toward it. Last evaluated 2023-07-13.

Conditions:
PPARG-related disorder. Also called: PPARG-related disorders; PPARG-related condition.

Allele frequency attached by ClinVar (database versions not stated): ExAC 0.00001; gnomAD exomes 0.00001; TOPMed 0.00001.
gnomAD v4.1: 3 of 1,613,966 alleles (0.00019%); highest among the groups gnomAD compares: African/African-American, 0.0027%; no homozygotes.

Submissions (2):

Labcorp Genetics (formerly Invitae), Labcorp
Classification: Likely benign. Last evaluated: 2023-07-13. Review status: criteria provided, single submitter. Criteria: Invitae Variant Classification Sherloc (09022015). Collection method: clinical testing. Allele origin: germline.

PreventionGenetics, part of Exact Sciences
Classification: Likely benign for PPARG-related condition. Last evaluated: 2022-11-21. Review status: no assertion criteria provided. Collection method: clinical testing. Allele origin: germline. Not counted in ClinVar's aggregate classification.
Comment: This variant is classified as likely benign based on ACMG/AMP sequence variant interpretation guidelines (Richards et al. 2015 PMID: 25741868, with internal and published modifications).